The following is an entry in ClinVar:

ClinVar aggregate classification (germline): Uncertain significance (1 of 4 stars; one submission).

Conditions:
Charcot-Marie-Tooth disease axonal type 2O. Also called: CHARCOT-MARIE-TOOTH NEUROPATHY, AXONAL, TYPE 2O; CHARCOT-MARIE-TOOTH DISEASE, AXONAL, AUTOSOMAL DOMINANT, TYPE 2O; Charcot-Marie-Tooth Neuropathy Type 2O; Charcot-Marie-Tooth disease, axonal, type 20. Identifiers: Orphanet 284232, MedGen C3280220, MONDO:0013644, OMIM 614228.

gnomAD v4.1: 2 of 1,614,182 alleles (0.00012%); highest among the groups gnomAD compares: Non-Finnish European, 0.00017%; no homozygotes.

Submission:

Labcorp Genetics (formerly Invitae), Labcorp
Classification: Uncertain significance for Charcot-Marie-Tooth disease axonal type 2O. Last evaluated: 2024-10-06. Review status: criteria provided, single submitter. Criteria: Invitae Variant Classification Sherloc (09022015). Collection method: clinical testing. Allele origin: germline.
Comment: This sequence change replaces lysine, which is basic and polar, with isoleucine, which is neutral and non-polar, at codon 1687 of the DYNC1H1 protein (p.Lys1687Ile). This variant is not present in population databases (gnomAD no frequency). This variant has not been reported in the literature in individuals affected with DYNC1H1-related conditions. Invitae Evidence Modeling of protein sequence and biophysical properties (such as structural, functional, and spatial information, amino acid conservation, physicochemical variation, residue mobility, and thermodynamic stability) indicates that this missense variant is not expected to disrupt DYNC1H1 protein function with a negative predictive value of 95%. In summary, the available evidence is currently insufficient to determine the role of this variant in disease. Therefore, it has been classified as a Variant of Uncertain Significance.

NM_001376.5(DYNC1H1):c.5060A>T (p.Lys1687Ile)

Gene: DYNC1H1 (dynein cytoplasmic 1 heavy chain 1; plus strand). Cytogenetic location: 14q32.31.
Variant type: single nucleotide variant.
Coding change: c.5060A>T on transcript NM_001376.5 (MANE Select); coding-DNA position 5060, A replaced by T.
Protein change: p.Lys1687Ile; replaces lysine 1687 with isoleucine.
Molecular consequence: missense variant.
Genome position (GRCh38, 1-based): chr14:102,004,772, A>T. VCF-style: chr14-102004772-A-T. GRCh37 (hg19) VCF-style: chr14-102471109-A-T.
Other names: short protein forms K1687I.
Identifiers: ClinVar variation 3680424 (VCV003680424.2).